The following is an entry in ClinVar:

NM_001430.5(EPAS1):c.2395T>A (p.Phe799Ile)

Gene: EPAS1 (endothelial PAS domain protein 1; plus strand). Cytogenetic location: 2p21.
Variant type: single nucleotide variant.
Coding change: c.2395T>A on transcript NM_001430.5 (MANE Select); coding-DNA position 2395, T replaced by A.
Protein change: p.Phe799Ile; replaces phenylalanine 799 with isoleucine.
Molecular consequence: missense variant.
Genome position (GRCh38, 1-based): chr2:46,382,532, T>A. VCF-style: chr2-46382532-T-A. GRCh37 (hg19) VCF-style: chr2-46609671-T-A.
Other names: short protein forms F799I.
Identifiers: ClinVar variation 1790617 (VCV001790617.2), dbSNP rs756915899, ClinGen allele CA346706231.

ClinVar aggregate classification (germline): Uncertain significance (1 of 4 stars; one submission).

Conditions:
Inborn genetic diseases. Identifiers: MedGen C0950123, MeSH D030342.

Allele frequency attached by ClinVar (database versions not stated): TOPMed below 0.00001.
gnomAD v4.1: 5 of 1,614,092 alleles (0.00031%); highest among the groups gnomAD compares: Non-Finnish European, 0.00042%; no homozygotes.

Submission:

Ambry Genetics
Classification: Uncertain significance for Inborn genetic diseases. Last evaluated: 2022-07-02. Review status: criteria provided, single submitter. Criteria: Ambry Variant Classification Scheme 2023. Collection method: clinical testing. Allele origin: germline.
Comment: The p.F799I variant (also known as c.2395T>A), located in coding exon 15 of the EPAS1 gene, results from a T to A substitution at nucleotide position 2395. The phenylalanine at codon 799 is replaced by isoleucine, an amino acid with highly similar properties. This amino acid position is conserved. In addition, this alteration is predicted to be tolerated by in silico analysis. Since supporting evidence is limited at this time, the clinical significance of this alteration remains unclear.